The following is an entry in ClinVar:

NM_198576.4(AGRN):c.3256G>A (p.Glu1086Lys)

Gene: AGRN (agrin; plus strand). Cytogenetic location: 1p36.33.
Variant type: single nucleotide variant.
Coding change: c.3256G>A on transcript NM_198576.4 (MANE Select); coding-DNA position 3256, G replaced by A.
Protein change: p.Glu1086Lys; replaces glutamic acid 1086 with lysine.
Molecular consequence: missense variant.
Genome position (GRCh38, 1-based): chr1:1,046,825, G>A. VCF-style: chr1-1046825-G-A. GRCh37 (hg19) VCF-style: chr1-982205-G-A.
Other names: c.3256G>A, p.Glu1086Lys (NM_001305275.2); c.2941G>A, p.Glu981Lys (NM_001364727.2); short protein forms E1086K, E981K.
Identifiers: ClinVar variation 835290 (VCV000835290.10), dbSNP rs141217865, ClinGen allele CA509008.

ClinVar aggregate classification (germline): Uncertain significance. Review status: criteria provided, multiple submitters, no conflicts (2 of 4 stars). 2 submissions from 2 submitters: Uncertain significance (2). Last evaluated 2024-08-13.

Conditions:
Inborn genetic diseases. Identifiers: MedGen C0950123, MeSH D030342.
Congenital myasthenic syndrome 8. Also called: MYASTHENIC SYNDROME, CONGENITAL, DUE TO AGRIN DEFICIENCY; Myasthenic syndrome, congenital, 8, with pre- and postsynaptic defects. Identifiers: Orphanet 590, MedGen C3808739, MONDO:0014052, OMIM 615120.

Allele frequency attached by ClinVar (database versions not stated): gnomAD exomes 0.00002 and 0.00005; ExAC 0.00010; TOPMed 0.00021; gnomAD 0.00022 and 0.00024; ESP Exome Variant Server 0.00031.
gnomAD v4.1: 74 of 1,582,234 alleles (0.0047%); highest among the groups gnomAD compares: African/African-American, 0.054%; no homozygotes.

Submissions (2):

Labcorp Genetics (formerly Invitae), Labcorp
Classification: Uncertain significance for Congenital myasthenic syndrome 8. Last evaluated: 2024-08-13. Review status: criteria provided, single submitter. Criteria: Invitae Variant Classification Sherloc (09022015). Collection method: clinical testing. Allele origin: germline.
Comment: This sequence change replaces glutamic acid, which is acidic and polar, with lysine, which is basic and polar, at codon 1086 of the AGRN protein (p.Glu1086Lys). This variant is present in population databases (rs141217865, gnomAD 0.06%). This variant has not been reported in the literature in individuals affected with AGRN-related conditions. ClinVar contains an entry for this variant (Variation ID: 835290). An algorithm developed to predict the effect of missense changes on protein structure and function (PolyPhen-2) suggests that this variant¬†is likely to be tolerated. In summary, the available evidence is currently insufficient to determine the role of this variant in disease. Therefore, it has been classified as a Variant of Uncertain Significance.

Ambry Genetics
Classification: Uncertain significance for Inborn genetic diseases. Last evaluated: 2023-06-07. Review status: criteria provided, single submitter. Criteria: Ambry Variant Classification Scheme 2023. Collection method: clinical testing. Allele origin: germline.